The following is an entry in ClinVar:

NM_001267727.2(ARSG):c.982+1G>T

Gene: ARSG (arylsulfatase G; plus strand). Cytogenetic location: 17q24.2.
Variant type: single nucleotide variant.
Coding change: c.982+1G>T on transcript NM_001267727.2 (MANE Select); the canonical splice donor site of the intron after coding-DNA position 982, G replaced by T.
Molecular consequence: splice donor variant.
Genome position (GRCh38, 1-based): chr17:68,370,525, G>T. VCF-style: chr17-68370525-G-T. GRCh37 (hg19) VCF-style: chr17-66366666-G-T.
Other names: c.979+1G>T (NM_001352904.2, NM_001352903.2, NM_001352905.2 and 2 more transcripts); c.982+1G>T (NM_014960.5, NM_001352910.2, NM_001352899.2 and 3 more transcripts); c.934+1G>T (NM_001352909.2).
Identifiers: ClinVar variation 1494997 (VCV001494997.8), dbSNP rs1302913513, ClinGen allele CA400746924.
Genomic context (GRCh38, chr17:68,370,525, plus strand): 5'-AGAAGTGTGAGCTAGCGGGCAGTGTGGGTCCCTTCACTGGATTTTGGCAAACTCGTCAAG[G>T]TAAGGGGCTCAGCTGGGGTTGGTGGATCCCATTGCAATGCTGAGCCCAGGCTGGGGTGTG-3'

ClinVar aggregate classification (germline): Likely pathogenic (1 of 4 stars; one submission).

Submission:

Labcorp Genetics (formerly Invitae), Labcorp
Classification: Likely pathogenic. Last evaluated: 2023-08-10. Review status: criteria provided, single submitter. Criteria: Invitae Variant Classification Sherloc (09022015). Collection method: clinical testing. Allele origin: germline.
Comment: In summary, the currently available evidence indicates that the variant is pathogenic, but additional data are needed to prove that conclusively. Therefore, this variant has been classified as Likely Pathogenic. Algorithms developed to predict the effect of sequence changes on RNA splicing suggest that this variant may disrupt the consensus splice site. ClinVar contains an entry for this variant (Variation ID: 1494997). This variant has not been reported in the literature in individuals affected with ARSG-related conditions. This variant is not present in population databases (gnomAD no frequency). This sequence change affects a donor splice site in intron 8 of the ARSG gene. It is expected to disrupt RNA splicing. Variants that disrupt the donor or acceptor splice site typically lead to a loss of protein function (PMID: 16199547), and loss-of-function variants in ARSG are known to be pathogenic (PMID: 26975023, 34223797).

Literature cited by the submitters: PubMed 16199547; PubMed 26975023; PubMed 34223797.